The following is an entry in ClinVar:

ClinVar aggregate classification (germline): Uncertain significance. Review status: criteria provided, multiple submitters, no conflicts (2 of 4 stars). 2 submissions from 2 submitters: Uncertain significance (2). Last evaluated 2025-06-06.

Conditions:
Hereditary nonpolyposis colorectal neoplasms. Identifiers: MedGen C0009405, MeSH D003123.
Hereditary cancer-predisposing syndrome. Also called: Hereditary neoplastic syndrome; Neoplastic Syndromes, Hereditary; Tumor predisposition; Hereditary Cancer Syndrome. Identifiers: Orphanet 140162, MedGen C0027672, MeSH D009386, MONDO:0015356.

Submissions (2):

Ambry Genetics
Classification: Uncertain significance for Hereditary cancer-predisposing syndrome. Last evaluated: 2025-06-06. Review status: criteria provided, single submitter. Criteria: Ambry Variant Classification Scheme 2023. Collection method: clinical testing. Allele origin: germline.
Comment: The p.K748N variant (also known as c.2244G>C), located in coding exon 13 of the PMS2 gene, results from a G to C substitution at nucleotide position 2244. The lysine at codon 748 is replaced by asparagine, an amino acid with similar properties. This variant was reported in 1/60,466 breast cancer cases and in 1/53,461 controls (Dorling et al. N Engl J Med, 2021 02;384:428-439). This amino acid position is highly conserved in available vertebrate species. In addition, the in silico prediction for this alteration is inconclusive. Since supporting evidence is limited at this time, the clinical significance of this alteration remains unclear.

Labcorp Genetics (formerly Invitae), Labcorp
Classification: Uncertain significance for Hereditary nonpolyposis colorectal neoplasms. Last evaluated: 2022-07-07. Review status: criteria provided, single submitter. Criteria: Invitae Variant Classification Sherloc (09022015). Collection method: clinical testing. Allele origin: germline.
Comment: This sequence change replaces lysine, which is basic and polar, with asparagine, which is neutral and polar, at codon 748 of the PMS2 protein (p.Lys748Asn). The frequency data for this variant in the population databases (gnomAD) is considered unreliable due to the presence of homologous sequence, such as pseudogenes or paralogs, in the genome. This variant has not been reported in the literature in individuals affected with PMS2-related conditions. ClinVar contains an entry for this variant (Variation ID: 836820). Advanced modeling of protein sequence and biophysical properties (such as structural, functional, and spatial information, amino acid conservation, physicochemical variation, residue mobility, and thermodynamic stability) performed at Invitae indicates that this missense variant is not expected to disrupt PMS2 protein function. In summary, the available evidence is currently insufficient to determine the role of this variant in disease. Therefore, it has been classified as a Variant of Uncertain Significance.

Literature cited by the submitters: PubMed 33471991 (cited by Ambry Genetics).

NM_000535.7(PMS2):c.2244G>C (p.Lys748Asn)

Gene: PMS2 (PMS1 homolog 2, mismatch repair system component; minus strand). Cytogenetic location: 7p22.1.
Variant type: single nucleotide variant.
Coding change: c.2244G>C on transcript NM_000535.7 (MANE Select); coding-DNA position 2244, G replaced by C.
Protein change: p.Lys748Asn; replaces lysine 748 with asparagine.
Molecular consequence: missense variant. On other transcripts: non-coding transcript variant (1).
Genome position (GRCh38, 1-based): chr7:5,978,627, C>G on the plus strand (G>C on the coding strand, the complement: PMS2 is on the minus strand). VCF-style: chr7-5978627-C-G. GRCh37 (hg19) VCF-style: chr7-6018258-C-G.
Other names: c.1839G>C, p.Lys613Asn (NM_001322003.2, NM_001322004.2, NM_001322005.2 and 1 more transcripts); c.2088G>C, p.Lys696Asn (NM_001322006.2); c.1926G>C, p.Lys642Asn (NM_001322007.2, NM_001322008.2); c.1683G>C, p.Lys561Asn (NM_001322010.2); c.1311G>C, p.Lys437Asn (NM_001322011.2, NM_001322012.2); c.1671G>C, p.Lys557Asn (NM_001322013.2); c.2244G>C, p.Lys748Asn (NM_001322014.2); c.1935G>C, p.Lys645Asn (NM_001322015.2); short protein forms K557N, K645N, K748N, K437N, K642N, K561N, K696N, K613N.
Identifiers: ClinVar variation 836820 (VCV000836820.11), dbSNP rs1443656360, ClinGen allele CA366736609.